The following is an entry in ClinVar:

ClinVar aggregate classification (germline): Uncertain significance (1 of 4 stars; one submission).

Conditions:
Generalized epilepsy-paroxysmal dyskinesia syndrome (PNKD3). Also called: Generalized epilepsy and paroxysmal dyskinesia; Paroxysmal nonkinesigenic dyskinesia, 3, with or without generalized epilepsy. Identifiers: Orphanet 79137, MedGen C5574945, MONDO:0012276, OMIM 609446.

Submission:

Labcorp Genetics (formerly Invitae), Labcorp
Classification: Uncertain significance for Generalized epilepsy-paroxysmal dyskinesia syndrome. Last evaluated: 2024-01-02. Review status: criteria provided, single submitter. Criteria: Invitae Variant Classification Sherloc (09022015). Collection method: clinical testing. Allele origin: germline.
Comment: This sequence change replaces isoleucine, which is neutral and non-polar, with valine, which is neutral and non-polar, at codon 788 of the KCNMA1 protein (p.Ile788Val). This variant is not present in population databases (gnomAD no frequency). This variant has not been reported in the literature in individuals affected with KCNMA1-related conditions. Advanced modeling of protein sequence and biophysical properties (such as structural, functional, and spatial information, amino acid conservation, physicochemical variation, residue mobility, and thermodynamic stability) performed at Invitae indicates that this missense variant is not expected to disrupt KCNMA1 protein function with a negative predictive value of 80%. In summary, the available evidence is currently insufficient to determine the role of this variant in disease. Therefore, it has been classified as a Variant of Uncertain Significance.

NM_001161352.2(KCNMA1):c.2536A>G (p.Ile846Val)

Genes: KCNMA1-AS1 (KCNMA1 antisense RNA 1; plus strand), KCNMA1 (potassium calcium-activated channel subfamily M alpha 1; minus strand). Cytogenetic location: 10q22.3.
Variant type: single nucleotide variant.
Coding change: c.2536A>G on transcript NM_001161352.2 (MANE Select); coding-DNA position 2536, A replaced by G.
Protein change: p.Ile846Val; replaces isoleucine 846 with valine.
Molecular consequence: missense variant.
Genome position (GRCh38, 1-based): chr10:76,949,315, T>C on the plus strand (A>G on the coding strand, the complement: KCNMA1 is on the minus strand). VCF-style: chr10-76949315-T-C. GRCh37 (hg19) VCF-style: chr10-78709073-T-C.
Other names: c.2374A>G, p.Ile792Val (NM_001014797.3, NM_001322835.2, NM_001322837.2); c.2485A>G, p.Ile829Val (NM_001161353.2); c.2212A>G, p.Ile738Val (NM_001271518.2); c.2371A>G, p.Ile791Val (NM_001271519.2, NM_001322829.2, NM_001322836.2); c.2383A>G, p.Ile795Val (NM_001322830.2); c.2362A>G, p.Ile788Val (NM_001322832.2, NM_001410940.1, NM_002247.4); c.1909A>G, p.Ile637Val (NM_001322838.2); short protein forms I637V, I738V, I788V, I791V, I792V, I795V, I829V, I846V.
Identifiers: ClinVar variation 1716063 (VCV001716063.6), dbSNP rs2550166527, ClinGen allele CA377406470.
Genomic context (GRCh38, chr10:76,949,315, plus strand): 5'-CACGGAGCGGCATCACCAGGTTCCGGAGGCCGATCAGGGCTGAGCTGACGTCGCCAAAGA[T>C]GCAGACCACGACATGGCCACTCAGGACGGTCATGGCAGCTTCACTTCGAGTCTACAACAG-3'
Protein context (NP_001154824.1, residues 836-856): TVLSGHVVVC[Ile846Val]FGDVSSALIG